The following is an entry in ClinVar:

ClinVar aggregate classification (germline): Uncertain significance (1 of 4 stars; one submission).

Conditions:
Joubert syndrome. Also called: CEREBELLOPARENCHYMAL DISORDER IV; JOUBERT-BOLTSHAUSER SYNDROME; Familial aplasia of the vermis. Identifiers: Orphanet 475, MedGen C5979921, MONDO:0018772.
Meckel-Gruber syndrome. Also called: DYSENCEPHALIA SPLANCHNOCYSTICA; GRUBER SYNDROME; Dysencephalia splachnocystica. Identifiers: Orphanet 564, MedGen C0265215, MONDO:0018921.

Allele frequency attached by ClinVar (database versions not stated): ExAC 0.00001; gnomAD 0.00001; gnomAD exomes 0.00001; TOPMed 0.00002.
gnomAD v4.1: 56 of 1,613,860 alleles (0.0035%); highest among the groups gnomAD compares: Non-Finnish European, 0.0046%; no homozygotes.

Submission:

Labcorp Genetics (formerly Invitae), Labcorp
Classification: Uncertain significance for Joubert syndrome; Meckel-Gruber syndrome. Last evaluated: 2021-04-02. Review status: criteria provided, single submitter. Criteria: Invitae Variant Classification Sherloc (09022015). Collection method: clinical testing. Allele origin: germline.
Comment: This variant is present in population databases (rs769608300, ExAC 0.002%). In summary, the available evidence is currently insufficient to determine the role of this variant in disease. Therefore, it has been classified as a Variant of Uncertain Significance. Algorithms developed to predict the effect of sequence changes on RNA splicing suggest that this variant may create or strengthen a splice site, but this prediction has not been confirmed by published transcriptional studies. Algorithms developed to predict the effect of missense changes on protein structure and function are either unavailable or do not agree on the potential impact of this missense change (SIFT: "Deleterious"; PolyPhen-2: "Benign"; Align-GVGD: "Class C0"). This variant has not been reported in the literature in individuals with B9D1-related conditions. This sequence change replaces isoleucine with phenylalanine at codon 85 of the B9D1 protein (p.Ile85Phe). The isoleucine residue is highly conserved and there is a small physicochemical difference between isoleucine and phenylalanine.

NM_015681.6(B9D1):c.253A>T (p.Ile85Phe)

Gene: B9D1 (B9 domain containing 1; minus strand). Cytogenetic location: 17p11.2.
Variant type: single nucleotide variant.
Coding change: c.253A>T on transcript NM_015681.6 (MANE Select); coding-DNA position 253, A replaced by T.
Protein change: p.Ile85Phe; replaces isoleucine 85 with phenylalanine.
Molecular consequence: missense variant. On other transcripts: 5 prime UTR variant (1).
Genome position (GRCh38, 1-based): chr17:19,347,872, T>A on the plus strand (A>T on the coding strand, the complement: B9D1 is on the minus strand). VCF-style: chr17-19347872-T-A. GRCh37 (hg19) VCF-style: chr17-19251185-T-A.
Other names: c.253A>T, p.Ile85Phe (NM_001321214.2, NM_001321215.3, NM_001321216.2 and 4 more transcripts); c.-108A>T (NM_001368769.2); short protein forms I85F.
Identifiers: ClinVar variation 1386508 (VCV001386508.8), dbSNP rs769608300, ClinGen allele CA8440292.